The following is an entry in ClinVar:

ClinVar aggregate classification (germline): Uncertain significance (1 of 4 stars; one submission).

Submission:

Labcorp Genetics (formerly Invitae), Labcorp
Classification: Uncertain significance. Last evaluated: 2021-09-01. Review status: criteria provided, single submitter. Criteria: Invitae Variant Classification Sherloc (09022015). Collection method: clinical testing. Allele origin: germline.
Comment: This sequence change replaces alanine with valine at codon 415 of the COL7A1 protein (p.Ala415Val). The alanine residue is weakly conserved and there is a small physicochemical difference between alanine and valine. This variant is not present in population databases (ExAC no frequency). This variant has not been reported in the literature in individuals affected with COL7A1-related conditions. Advanced modeling of protein sequence and biophysical properties (such as structural, functional, and spatial information, amino acid conservation, physicochemical variation, residue mobility, and thermodynamic stability) performed at Invitae indicates that this missense variant is not expected to disrupt COL7A1 protein function. In summary, the available evidence is currently insufficient to determine the role of this variant in disease. Therefore, it has been classified as a Variant of Uncertain Significance.

NM_000094.4(COL7A1):c.1244C>T (p.Ala415Val)

Gene: COL7A1 (collagen type VII alpha 1 chain; minus strand). Cytogenetic location: 3p21.31.
Variant type: single nucleotide variant.
Coding change: c.1244C>T on transcript NM_000094.4 (MANE Select); coding-DNA position 1244, C replaced by T.
Protein change: p.Ala415Val; replaces alanine 415 with valine.
Molecular consequence: missense variant.
Genome position (GRCh38, 1-based): chr3:48,592,011, G>A on the plus strand (C>T on the coding strand, the complement: COL7A1 is on the minus strand). VCF-style: chr3-48592011-G-A. GRCh37 (hg19) VCF-style: chr3-48629444-G-A.
Other names: short protein forms A415V.
Identifiers: ClinVar variation 1357506 (VCV001357506.5), dbSNP rs2107790367, ClinGen allele CA352736657.